The following is an entry in ClinVar:

NM_014915.3(ANKRD26):c.2057A>G (p.Asp686Gly)

Gene: ANKRD26 (ankyrin repeat domain containing 26; minus strand). Cytogenetic location: 10p12.1.
Variant type: single nucleotide variant.
Coding change: c.2057A>G on transcript NM_014915.3 (MANE Select); coding-DNA position 2057, A replaced by G.
Protein change: p.Asp686Gly; replaces aspartic acid 686 with glycine.
Molecular consequence: missense variant.
Genome position (GRCh38, 1-based): chr10:27,043,530, T>C on the plus strand (A>G on the coding strand, the complement: ANKRD26 is on the minus strand). VCF-style: chr10-27043530-T-C. GRCh37 (hg19) VCF-style: chr10-27332459-T-C.
Other names: c.2054A>G, p.Asp685Gly (NM_001256053.2); short protein forms D685G, D686G.
Identifiers: ClinVar variation 3871731 (VCV003871731.1).

ClinVar aggregate classification (germline): Uncertain significance (1 of 4 stars; one submission).

Conditions:
Inborn genetic diseases. Identifiers: MedGen C0950123, MeSH D030342.

Submission:

Ambry Genetics
Classification: Uncertain significance for Inborn genetic diseases. Last evaluated: 2025-02-25. Review status: criteria provided, single submitter. Criteria: Ambry Variant Classification Scheme 2023. Collection method: clinical testing. Allele origin: germline.
Comment: The p.D686G variant (also known as c.2057A>G), located in coding exon 20 of the ANKRD26 gene, results from an A to G substitution at nucleotide position 2057. The aspartic acid at codon 686 is replaced by glycine, an amino acid with similar properties. This amino acid position is conserved. In addition, this alteration is predicted to be tolerated by in silico analysis. Based on the available evidence, the clinical significance of this variant remains unclear.